The following is an entry in ClinVar:

NM_000540.3(RYR1):c.14690G>A (p.Gly4897Asp)

Gene: RYR1 (ryanodine receptor 1; plus strand). Cytogenetic location: 19q13.2.
Variant type: single nucleotide variant.
Coding change: c.14690G>A on transcript NM_000540.3 (MANE Select); coding-DNA position 14690, G replaced by A.
Protein change: p.Gly4897Asp; replaces glycine 4897 with aspartic acid.
Molecular consequence: missense variant.
Genome position (GRCh38, 1-based): chr19:38,584,986, G>A. VCF-style: chr19-38584986-G-A. GRCh37 (hg19) VCF-style: chr19-39075626-G-A.
Other names: NM_000540.3(RYR1):c.14690G>A; p.Gly4897Asp; c.14675G>A, p.Gly4892Asp (NM_001042723.2); short protein forms G4897D, G4892D.
Identifiers: ClinVar variation 582126 (VCV000582126.12), dbSNP rs118192148, ClinGen allele CA405690291.

ClinVar aggregate classification (germline): Likely pathogenic. Review status: reviewed by expert panel (3 of 4 stars). 4 submissions from 4 submitters: Likely pathogenic (1). 3 of the submissions do not count toward it. Last evaluated 2024-08-27.

Conditions:
RYR1-related myopathy. Identifiers: Orphanet 98742, MedGen CN305348, MONDO:0100150.
RYR1-related disorder. Also called: RYR1-related disorders; RYR1-related condition. Identifiers: MedGen CN239331.
Inborn genetic diseases. Identifiers: MedGen C0950123, MeSH D030342.

Submissions (4):

ClinGen Congenital Myopathies Variant Curation Expert Panel, ClinGen
Classification: Likely pathogenic for RYR1-related myopathy. Last evaluated: 2024-08-27. Review status: reviewed by expert panel. Criteria: ClinGen CongenMyopathy ACMG Specifications RYR1 AD V2.0.0. Collection method: curation. Allele origin: germline. Inheritance: Autosomal dominant inheritance.
Comment: The c.14690G>A variant in RYR1 is a missense variant predicted to cause substitution of glycine by aspartic acid at amino acid 4897. This variant is absent from gnomAD v4.1 (PM2_Supporting). The computational predictor REVEL gives a score of 0.835, which is above the threshold of 0.7, evidence that correlates with impact to RYR1 function (PP3). This variant resides within the pore region (amino acids 4800-4950), of RYR1 that is defined as a mutation hotspot/critical functional domain by the ClinGen Congenital Myopathies VCEP (PM1). This variant has been reported in 2 probands with RYR1-related myopathy (PS4_Moderate; PMIDs: 24561095, 35428369). Additionally, the variant was identified in a third individual with c.9989A>G (p.Asp3330Gly) likely in cis, although variants phasing could not be confirmed at this time (PMID: 23919265, SCV000852450.1). In summary, this variant meets the criteria to be classified as likely pathogenic for autosomal dominant RYR1-related myopathy based on the ACMG/AMP criteria applied, as specified by the ClinGen Congenital Myopathies VCEP: PS4_Moderate, PM1, PM2_Supporting, PP3. (Congenital Myopathies VCEP specifications version 2; 8/27/2024)

Ambry Genetics
Classification: Uncertain significance for Inborn genetic diseases. Last evaluated: 2023-06-26. Review status: criteria provided, single submitter. Criteria: Ambry Variant Classification Scheme 2023. Collection method: clinical testing. Allele origin: germline. Not counted in ClinVar's aggregate classification.
Comment: The c.14690G>A (p.G4897D) alteration is located in exon 102 (coding exon 102) of the RYR1 gene. This alteration results from a G to A substitution at nucleotide position 14690, causing the glycine (G) at amino acid position 4897 to be replaced by an aspartic acid (D). This variant was not reported in population-based cohorts in the Genome Aggregation Database (gnomAD). The c.14690G>A alteration has been reported in multiple individuals with clinical features consistent with autosomal dominant RYR1-related myopathy (Gu, 2014; Cotta, 2022; Fusto, 2022, external communication). This amino acid position is highly conserved in available vertebrate species. Based on internal structural analysis, G4897D disrupts the selectivity filter motif which has been shown to be functionally important (Balshaw, 1999; Lefebvre, 2013; Yan, 2015; Wei, 2016; Kushnir, 2020). This alteration is predicted to be deleterious by in silico analysis. Based on insufficient or conflicting evidence, the clinical significance of this alteration remains unclear.

PreventionGenetics, part of Exact Sciences
Classification: Likely pathogenic. Last evaluated: 2018-08-17. Review status: criteria provided, single submitter. Criteria: ACMG Guidelines, 2015. Collection method: clinical testing. Allele origin: germline. Not counted in ClinVar's aggregate classification.

Labcorp Genetics (formerly Invitae), Labcorp
Classification: Likely pathogenic for RYR1-related disorder. Last evaluated: 2017-10-24. Review status: criteria provided, single submitter. Criteria: Invitae Variant Classification Sherloc (09022015). Collection method: clinical testing. Allele origin: germline. Not counted in ClinVar's aggregate classification.
Comment: Algorithms developed to predict the effect of missense changes on protein structure and function do not agree on the potential impact of this missense change (SIFT: "Deleterious"; PolyPhen-2: "Possibly Damaging"; Align-GVGD: "Class C0"). This variant has been reported in several individuals affected with central core disease (CCD) (PMID: 23919265, 24561095). This variant is not present in population databases (ExAC no frequency). This sequence change replaces glycine with aspartic acid at codon 4897 of the RYR1 protein (p.Gly4897Asp). The glycine residue is highly conserved and there is a moderate physicochemical difference between glycine and aspartic acid. This missense change is located in a region of the RYR1 protein where a significant number of previously reported RYR1 missense mutations are found (PMID: 16084090). These observations suggest that a previously unreported missense substitution within this region may affect protein function, but experiments have not been done to test this possibility. A different missense substitution at this codon (p.Gly4897Val) has been reported in a family with CCD (PMID: 17226826). However, the clinical significance of this variant is unknown. In summary, the currently available evidence indicates that the variant is pathogenic, but additional data are needed to prove that conclusively. Therefore, this variant has been classified as Likely Pathogenic.

Literature cited by the submitters: PubMed 10097041 (cited by Ambry Genetics); PubMed 23308296 (cited by Ambry Genetics); PubMed 24561095 (cited by Ambry Genetics and Labcorp Genetics (formerly Invitae), Labcorp); PubMed 25517095 (cited by Ambry Genetics); PubMed 27573175 (cited by Ambry Genetics); PubMed 32236737 (cited by Ambry Genetics); PubMed 35428369 (cited by Ambry Genetics); PubMed 35627144 (cited by Ambry Genetics); PubMed 23919265 (cited by Labcorp Genetics (formerly Invitae), Labcorp); PubMed 16084090 (cited by Labcorp Genetics (formerly Invitae), Labcorp); PubMed 17226826 (cited by Labcorp Genetics (formerly Invitae), Labcorp).